The following is an entry in ClinVar:

ClinVar aggregate classification (germline): Uncertain significance (1 of 4 stars; one submission).

gnomAD v4.1: 4 of 1,613,828 alleles (0.00025%); highest among the groups gnomAD compares: African/African-American, 0.0027%; no homozygotes.

Submission:

GeneDx
Classification: Uncertain significance. Last evaluated: 2024-11-19. Review status: criteria provided, single submitter. Criteria: GeneDx Variant Classification Process June 2021. Collection method: clinical testing. Allele origin: germline. Affected: yes.
Comment: Not observed at significant frequency in large population cohorts (gnomAD); In silico analysis supports that this missense variant has a deleterious effect on protein structure/function; Has not been previously published as pathogenic or benign to our knowledge

NM_000552.5(VWF):c.2993A>G (p.Asn998Ser)

Gene: VWF (von Willebrand factor; minus strand). Cytogenetic location: 12p13.31.
Variant type: single nucleotide variant.
Coding change: c.2993A>G on transcript NM_000552.5 (MANE Select); coding-DNA position 2993, A replaced by G.
Protein change: p.Asn998Ser; replaces asparagine 998 with serine.
Molecular consequence: missense variant.
Genome position (GRCh38, 1-based): chr12:6,026,021, T>C on the plus strand (A>G on the coding strand, the complement: VWF is on the minus strand). VCF-style: chr12-6026021-T-C. GRCh37 (hg19) VCF-style: chr12-6135187-T-C.
Other names: short protein forms N998S.
Identifiers: ClinVar variation 3899447 (VCV003899447.1).